The following is an entry in ClinVar:

NM_004448.4(ERBB2):c.346G>A (p.Val116Met)

Gene: ERBB2 (erb-b2 receptor tyrosine kinase 2; plus strand). Cytogenetic location: 17q12.
Variant type: single nucleotide variant.
Coding change: c.346G>A on transcript NM_004448.4 (MANE Select); coding-DNA position 346, G replaced by A.
Protein change: p.Val116Met; replaces valine 116 with methionine.
Molecular consequence: missense variant. On other transcripts: non-coding transcript variant (1), intron variant (1).
Genome position (GRCh38, 1-based): chr17:39,708,441, G>A. VCF-style: chr17-39708441-G-A. GRCh37 (hg19) VCF-style: chr17-37864694-G-A.
Other names: c.256G>A, p.Val86Met (NM_001005862.3, NM_001289938.2, NM_001382782.1 and 1 more transcripts); c.301G>A, p.Val101Met (NM_001289936.2); c.346G>A, p.Val116Met (NM_001289937.2, NM_001382784.1, NM_001382785.1 and 19 more transcripts); c.337G>A, p.Val113Met (NM_001382791.1); c.74-3487G>A (NM_001382804.1); short protein forms V86M, V101M, V113M, V116M.
Identifiers: ClinVar variation 4754813 (VCV004754813.1).

ClinVar aggregate classification (germline): Uncertain significance (1 of 4 stars; one submission).

gnomAD v4.1: 18 of 1,614,066 alleles (0.0011%); highest among the groups gnomAD compares: East Asian, 0.0045%; no homozygotes.

Submission:

Labcorp Genetics (formerly Invitae), Labcorp
Classification: Uncertain significance. Last evaluated: 2026-01-04. Review status: criteria provided, single submitter. Criteria: Invitae Variant Classification Sherloc (09022015). Collection method: clinical testing. Allele origin: germline.
Comment: This sequence change replaces valine, which is neutral and non-polar, with methionine, which is neutral and non-polar, at codon 116 of the ERBB2 protein (p.Val116Met). This variant is present in population databases (no rsID available, gnomAD 0.006%). This variant has not been reported in the literature in individuals affected with ERBB2-related conditions. Invitae Evidence Modeling of protein sequence and biophysical properties (such as structural, functional, and spatial information, amino acid conservation, physicochemical variation, residue mobility, and thermodynamic stability) indicates that this missense variant is not expected to disrupt ERBB2 protein function with a negative predictive value of 80%. In summary, the available evidence is currently insufficient to determine the role of this variant in disease. Therefore, it has been classified as a Variant of Uncertain Significance.